The following is an entry in ClinVar:

NM_004817.4(TJP2):c.2034C>T (p.Asn678=)

Gene: TJP2 (tight junction protein 2; plus strand). Cytogenetic location: 9q21.11.
Variant type: single nucleotide variant.
Coding change: c.2034C>T on transcript NM_004817.4 (MANE Select); coding-DNA position 2034, C replaced by T.
Protein change: p.Asn678=; no amino-acid change (asparagine 678 retained).
Molecular consequence: synonymous variant.
Genome position (GRCh38, 1-based): chr9:69,236,991, C>T. VCF-style: chr9-69236991-C-T. GRCh37 (hg19) VCF-style: chr9-71851907-C-T.
Other names: c.1965C>T, p.Asn655= (NM_001170414.2, NM_001369871.1); c.2046C>T, p.Asn682= (NM_001170415.1, NM_001369874.1, NM_001369875.1); c.2127C>T, p.Asn709= (NM_001170416.2); c.1959C>T, p.Asn653= (NM_001369870.1); c.2034C>T, p.Asn678= (NM_001369872.1, NM_001369873.1, NM_201629.3 and 1 more transcripts); c.2034C>T (NM_004817.3).
Identifiers: ClinVar variation 595178 (VCV000595178.55), dbSNP rs373160031, ClinGen allele CA5073565.

ClinVar aggregate classification (germline): Conflicting classifications of pathogenicity. Review status: criteria provided, conflicting classifications (1 of 4 stars). 5 submissions from 5 submitters: Uncertain significance (1); Likely benign (3). 1 of the submissions does not count toward it. Last evaluated 2025-06-20.

Conditions:
TJP2-related disorder. Also called: TJP2-related condition.

Allele frequency attached by ClinVar (database versions not stated): gnomAD exomes 0.00004 and 0.00007; gnomAD 0.00005 and 0.00007; ExAC 0.00006; TOPMed 0.00007; ESP Exome Variant Server 0.00015.
gnomAD v4.1: 75 of 1,614,060 alleles (0.0046%); highest among the groups gnomAD compares: Middle Eastern, 0.066%; no homozygotes.

Submissions (5):

Labcorp Genetics (formerly Invitae), Labcorp
Classification: Likely benign. Last evaluated: 2025-06-20. Review status: criteria provided, single submitter. Criteria: Invitae Variant Classification Sherloc (09022015). Collection method: clinical testing. Allele origin: germline.

Blueprint Genetics
Classification: Likely benign. Last evaluated: 2024-10-11. Review status: criteria provided, single submitter. Criteria: ACMG Guidelines, 2015. Collection method: clinical testing. Allele origin: germline.

CeGaT Center for Human Genetics Tuebingen
Classification: Likely benign. Last evaluated: 2019-12-01. Review status: criteria provided, single submitter. Criteria: CeGaT Center For Human Genetics Tuebingen Variant Classification Criteria Version 2. Collection method: clinical testing. Allele origin: germline. Affected: yes. Observed: 1 variant allele.

Eurofins Ntd Llc (ga)
Classification: Uncertain significance. Last evaluated: 2018-08-27. Review status: criteria provided, single submitter. Criteria: EGL ClinVar v180209 classification definitions. Collection method: clinical testing. Allele origin: germline. Observed: 2 variant alleles, 2 heterozygotes.

PreventionGenetics, part of Exact Sciences
Classification: Likely benign for TJP2-related condition. Last evaluated: 2021-09-15. Review status: no assertion criteria provided. Collection method: clinical testing. Allele origin: germline. Not counted in ClinVar's aggregate classification.
Comment: This variant is classified as likely benign based on ACMG/AMP sequence variant interpretation guidelines (Richards et al. 2015 PMID: 25741868, with internal and published modifications).